The following is an entry in ClinVar:

ClinVar aggregate classification (germline): Likely benign. Review status: criteria provided, multiple submitters, no conflicts (2 of 4 stars). 4 submissions from 4 submitters: Likely benign (4). Last evaluated 2026-08-01.

Conditions:
AP3B2-related disorder. Also called: AP3B2-related condition.

Allele frequency attached by ClinVar (database versions not stated): gnomAD exomes 0.00019 and 0.00030; ExAC 0.00029; 1000 Genomes Project 0.00060; 1000 Genomes Project 30x 0.00062; gnomAD 0.00070 and 0.00076; ESP Exome Variant Server 0.00072; TOPMed 0.00089.
gnomAD v4.1: 383 of 1,613,870 alleles (0.024%); highest among the groups gnomAD compares: African/African-American, 0.19%; no homozygotes.

Submissions (4):

CeGaT Center for Human Genetics Tuebingen
Classification: Likely benign. Last evaluated: 2026-08-01. Review status: criteria provided, single submitter. Criteria: CeGaT Center For Human Genetics Tuebingen Variant Classification Criteria Version 2. Collection method: clinical testing. Allele origin: germline. Affected: yes. Observed: 2 variant alleles.
Comment: AP3B2: BP4, BP7

Labcorp Genetics (formerly Invitae), Labcorp
Classification: Likely benign. Last evaluated: 2026-01-18. Review status: criteria provided, single submitter. Criteria: Invitae Variant Classification Sherloc (09022015). Collection method: clinical testing. Allele origin: germline.

PreventionGenetics, part of Exact Sciences
Classification: Likely benign for AP3B2-related condition. Last evaluated: 2025-10-03. Review status: criteria provided, single submitter. Criteria: ACMG Guidelines, 2015. Collection method: clinical testing. Allele origin: germline.
Comment: This variant is classified as likely benign based on ACMG/AMP sequence variant interpretation guidelines (Richards et al. 2015 PMID: 25741868, with internal and published modifications).

Blueprint Genetics
Classification: Likely benign. Last evaluated: 2024-10-18. Review status: criteria provided, single submitter. Criteria: ACMG Guidelines, 2015. Collection method: clinical testing. Allele origin: germline.

NM_001278512.2(AP3B2):c.2394C>T (p.Ser798=)

Genes: AP3B2 (adaptor related protein complex 3 subunit beta 2; minus strand), CPEB1-AS1 (CPEB1 antisense RNA 1; plus strand). Cytogenetic location: 15q25.2.
Variant type: single nucleotide variant.
Coding change: c.2394C>T on transcript NM_001278512.2 (MANE Select); coding-DNA position 2394, C replaced by T.
Protein change: p.Ser798=; no amino-acid change (serine 798 retained).
Molecular consequence: synonymous variant.
Genome position (GRCh38, 1-based): chr15:82,663,843, G>A on the plus strand (C>T on the coding strand, the complement: AP3B2 is on the minus strand). VCF-style: chr15-82663843-G-A. GRCh37 (hg19) VCF-style: chr15-83332595-G-A.
Other names: c.2241C>T, p.Ser747= (NM_001278511.2); c.2337C>T, p.Ser779= (NM_004644.5).
Identifiers: ClinVar variation 722041 (VCV000722041.52), dbSNP rs189447069, ClinGen allele CA7699934.